The following is an entry in ClinVar:

ClinVar aggregate classification (germline): Uncertain significance. Review status: criteria provided, multiple submitters, no conflicts (2 of 4 stars). 2 submissions from 2 submitters: Uncertain significance (2). Last evaluated 2025-08-10.

Conditions:
Inborn genetic diseases. Identifiers: MedGen C0950123, MeSH D030342.

Allele frequency attached by ClinVar (database versions not stated): gnomAD exomes below 0.00001.

Submissions (2):

Labcorp Genetics (formerly Invitae), Labcorp
Classification: Uncertain significance. Last evaluated: 2025-08-10. Review status: criteria provided, single submitter. Criteria: Invitae Variant Classification Sherloc (09022015). Collection method: clinical testing. Allele origin: germline.
Comment: This sequence change replaces isoleucine, which is neutral and non-polar, with valine, which is neutral and non-polar, at codon 1726 of the ATR protein (p.Ile1726Val). This variant is not present in population databases (gnomAD no frequency). This variant has not been reported in the literature in individuals affected with ATR-related conditions. ClinVar contains an entry for this variant (Variation ID: 3221198). An algorithm developed to predict the effect of missense changes on protein structure and function (PolyPhen-2) suggests that this variant is likely to be tolerated. In summary, the available evidence is currently insufficient to determine the role of this variant in disease. Therefore, it has been classified as a Variant of Uncertain Significance.

Ambry Genetics
Classification: Uncertain significance for Inborn genetic diseases. Last evaluated: 2024-02-20. Review status: criteria provided, single submitter. Criteria: Ambry Variant Classification Scheme 2023. Collection method: clinical testing. Allele origin: germline.
Comment: The p.I1726V variant (also known as c.5176A>G), located in coding exon 29 of the ATR gene, results from an A to G substitution at nucleotide position 5176. The isoleucine at codon 1726 is replaced by valine, an amino acid with highly similar properties. This amino acid position is conserved. In addition, this alteration is predicted to be tolerated by in silico analysis. Based on the available evidence, the clinical significance of this alteration remains unclear.

NM_001184.4(ATR):c.5176A>G (p.Ile1726Val)

Gene: ATR (ATR checkpoint kinase; minus strand). Cytogenetic location: 3q23.
Variant type: single nucleotide variant.
Coding change: c.5176A>G on transcript NM_001184.4 (MANE Select); coding-DNA position 5176, A replaced by G.
Protein change: p.Ile1726Val; replaces isoleucine 1726 with valine.
Molecular consequence: missense variant.
Genome position (GRCh38, 1-based): chr3:142,505,159, T>C on the plus strand (A>G on the coding strand, the complement: ATR is on the minus strand). VCF-style: chr3-142505159-T-C. GRCh37 (hg19) VCF-style: chr3-142224001-T-C.
Other names: c.4984A>G, p.Ile1662Val (NM_001354579.2); short protein forms I1662V, I1726V.
Identifiers: ClinVar variation 3221198 (VCV003221198.2), dbSNP rs2108355204, ClinGen allele CA354819699.